The following is an entry in ClinVar:

ClinVar aggregate classification (germline): Uncertain significance. Review status: criteria provided, multiple submitters, no conflicts (2 of 4 stars). 2 submissions from 2 submitters: Uncertain significance (2). Last evaluated 2025-10-24.

Conditions:
Familial infantile myasthenia (CMS6). Also called: MYASTHENIC SYNDROME, PRESYNAPTIC, CONGENITAL, ASSOCIATED WITH EPISODIC APNEA; MYASTHENIC SYNDROME, CONGENITAL, 6, PRESYNAPTIC; Congenital myasthenic syndrome type 6. Identifiers: Orphanet 590, MedGen C0393929, MONDO:0009689, OMIM 254210.
Inborn genetic diseases. Identifiers: MedGen C0950123, MeSH D030342.

Allele frequency attached by ClinVar (database versions not stated): gnomAD 0.00002; gnomAD exomes 0.00002; TOPMed 0.00002.
gnomAD v4.1: 40 of 1,599,130 alleles (0.0025%); highest among the groups gnomAD compares: Non-Finnish European, 0.0033%; no homozygotes.

Submissions (2):

Ambry Genetics
Classification: Uncertain significance for Inborn genetic diseases. Last evaluated: 2025-10-24. Review status: criteria provided, single submitter. Criteria: Ambry Variant Classification Scheme 2023. Collection method: clinical testing. Allele origin: germline.

Labcorp Genetics (formerly Invitae), Labcorp
Classification: Uncertain significance for Familial infantile myasthenia. Last evaluated: 2022-06-20. Review status: criteria provided, single submitter. Criteria: Invitae Variant Classification Sherloc (09022015). Collection method: clinical testing. Allele origin: germline.
Comment: This sequence change replaces isoleucine, which is neutral and non-polar, with threonine, which is neutral and polar, at codon 297 of the CHAT protein (p.Ile297Thr). This variant is present in population databases (no rsID available, gnomAD 0.004%). This variant has not been reported in the literature in individuals affected with CHAT-related conditions. ClinVar contains an entry for this variant (Variation ID: 1022510). Advanced modeling of protein sequence and biophysical properties (such as structural, functional, and spatial information, amino acid conservation, physicochemical variation, residue mobility, and thermodynamic stability) performed at Invitae indicates that this missense variant is not expected to disrupt CHAT protein function. In summary, the available evidence is currently insufficient to determine the role of this variant in disease. Therefore, it has been classified as a Variant of Uncertain Significance.

NM_020549.5(CHAT):c.890T>C (p.Ile297Thr)

Gene: CHAT (choline O-acetyltransferase; plus strand). Cytogenetic location: 10q11.23.
Variant type: single nucleotide variant.
Coding change: c.890T>C on transcript NM_020549.5 (MANE Select); coding-DNA position 890, T replaced by C.
Protein change: p.Ile297Thr; replaces isoleucine 297 with threonine.
Molecular consequence: missense variant.
Genome position (GRCh38, 1-based): chr10:49,625,610, T>C. VCF-style: chr10-49625610-T-C. GRCh37 (hg19) VCF-style: chr10-50833656-T-C.
Other names: c.536T>C, p.Ile179Thr (NM_001142929.2, NM_001142934.2, NM_020984.4 and 2 more transcripts); c.644T>C, p.Ile215Thr (NM_001142933.2); c.890T>C (NM_020549.4); short protein forms I179T, I215T, I297T.
Identifiers: ClinVar variation 1022510 (VCV001022510.5), dbSNP rs1373162548, ClinGen allele CA376730292.